The following is an entry in ClinVar:

ClinVar aggregate classification (germline): Likely pathogenic (1 of 4 stars; one submission).

Submission:

Labcorp Genetics (formerly Invitae), Labcorp
Classification: Likely pathogenic. Last evaluated: 2025-12-16. Review status: criteria provided, single submitter. Criteria: Invitae Variant Classification Sherloc (09022015). Collection method: clinical testing. Allele origin: germline.
Comment: This variant results in the deletion of part of exon 2 (c.13_105+427del) of the ERCC2 gene. It is expected to disrupt RNA splicing. Variants that disrupt the donor or acceptor splice site typically lead to a loss of protein function (PMID: 16199547), and loss-of-function variants in ERCC2 are known to be pathogenic (PMID: 9238033, 11335038, 19085937, 19934020). This variant is not present in population databases (gnomAD no frequency). This variant has not been reported in the literature in individuals affected with ERCC2-related conditions. This variant disrupts a region of the ERCC2 protein in which other variant(s) (p.Ser23del) have been observed in individuals with ERCC2-related conditions (PMID: 20944642). This suggests that this is a clinically significant region of the protein, and that variants that disrupt it are likely to be disease-causing. In summary, the currently available evidence indicates that the variant is pathogenic, but additional data are needed to prove that conclusively. Therefore, this variant has been classified as Likely Pathogenic.

Literature cited by the submitters: PubMed 16199547; PubMed 9238033; PubMed 11335038; PubMed 19085937; PubMed 19934020; PubMed 20944642.

NM_000400.4(ERCC2):c.13_105+427del

Gene: ERCC2 (ERCC excision repair 2, TFIIH core complex helicase subunit; minus strand). Cytogenetic location: 19q13.32.
Variant type: Deletion.
Coding change: c.13_105+427del on transcript NM_000400.4 (MANE Select); coding-DNA position 13 through 427 bases into the intron after coding-DNA position 105, 520 bases deleted.
Molecular consequence: splice donor variant. On other transcripts: intron variant (1), initiator codon variant (2).
Genome position (GRCh38, 1-based): chr19:45,369,706-45,370,225, 520 bases deleted. GRCh37 (hg19): chr19:45,872,966-45,873,485.
Other names: c.-19+311_-18-559del (NM_001440357.1); c.13_105+427del (NM_001440356.1); c.-60_33+427del (NM_001440355.1, NM_001130867.2).
Identifiers: ClinVar variation 4733399 (VCV004733399.1).